The following is an entry in ClinVar:

ClinVar aggregate classification (germline): Uncertain significance. Review status: criteria provided, multiple submitters, no conflicts (2 of 4 stars). 2 submissions from 2 submitters: Uncertain significance (2). Last evaluated 2022-05-20.

Conditions:
Hypertrophic cardiomyopathy. Also called: HYPERTROPHIC MYOCARDIOPATHY. Identifiers: Orphanet 217569, MedGen C0007194, MeSH D002312, MONDO:0005045, HP:0001639.

Allele frequency attached by ClinVar (database versions not stated): gnomAD exomes below 0.00001; gnomAD 0.00001; TOPMed 0.00001.
gnomAD v4.1: 3 of 1,613,356 alleles (0.00019%); highest among the groups gnomAD compares: Non-Finnish European, 0.000085%; no homozygotes.

Submissions (2):

Ambry Genetics
Classification: Uncertain significance. Last evaluated: 2022-05-20. Review status: criteria provided, single submitter. Criteria: Ambry Variant Classification Scheme 2023. Collection method: clinical testing. Allele origin: germline.
Comment: The p.E520G variant (also known as c.1559A>G), located in coding exon 10 of the MYOM1 gene, results from an A to G substitution at nucleotide position 1559. The glutamic acid at codon 520 is replaced by glycine, an amino acid with similar properties. This amino acid position is conserved. In addition, this alteration is predicted to be tolerated by in silico analysis. Since supporting evidence is limited at this time, the clinical significance of this alteration remains unclear.

Labcorp Genetics (formerly Invitae), Labcorp
Classification: Uncertain significance for Hypertrophic cardiomyopathy. Last evaluated: 2021-10-15. Review status: criteria provided, single submitter. Criteria: Invitae Variant Classification Sherloc (09022015). Collection method: clinical testing. Allele origin: germline.
Comment: This sequence change replaces glutamic acid with glycine at codon 520 of the MYOM1 protein (p.Glu520Gly). The glutamic acid residue is weakly conserved and there is a moderate physicochemical difference between glutamic acid and glycine. In summary, the available evidence is currently insufficient to determine the role of this variant in disease. Therefore, it has been classified as a Variant of Uncertain Significance. Algorithms developed to predict the effect of missense changes on protein structure and function are either unavailable or do not agree on the potential impact of this missense change (SIFT: "Deleterious"; PolyPhen-2: "Benign"; Align-GVGD: "Class C0"). This variant has not been reported in the literature in individuals affected with MYOM1-related conditions. This variant is not present in population databases (ExAC no frequency).

NM_003803.4(MYOM1):c.1559A>G (p.Glu520Gly)

Gene: MYOM1 (myomesin 1; minus strand). Cytogenetic location: 18p11.31.
Variant type: single nucleotide variant.
Coding change: c.1559A>G on transcript NM_003803.4 (MANE Select); coding-DNA position 1559, A replaced by G.
Protein change: p.Glu520Gly; replaces glutamic acid 520 with glycine.
Molecular consequence: missense variant.
Genome position (GRCh38, 1-based): chr18:3,155,031, T>C on the plus strand (A>G on the coding strand, the complement: MYOM1 is on the minus strand). VCF-style: chr18-3155031-T-C. GRCh37 (hg19) VCF-style: chr18-3155029-T-C.
Other names: c.1559A>G, p.Glu520Gly (NM_019856.2); short protein forms E520G.
Identifiers: ClinVar variation 1460573 (VCV001460573.8), dbSNP rs955564161, ClinGen allele CA295532914.